The following is an entry in ClinVar:

NM_004415.4(DSP):c.5120A>G (p.Gln1707Arg)

Gene: DSP (desmoplakin; plus strand). Cytogenetic location: 6p24.3.
Variant type: single nucleotide variant.
Coding change: c.5120A>G on transcript NM_004415.4 (MANE Select); coding-DNA position 5120, A replaced by G.
Protein change: p.Gln1707Arg; replaces glutamine 1707 with arginine.
Molecular consequence: missense variant. On other transcripts: intron variant (2).
Genome position (GRCh38, 1-based): chr6:7,581,310, A>G. VCF-style: chr6-7581310-A-G. GRCh37 (hg19) VCF-style: chr6-7581543-A-G.
Other names: c.4050+1070A>G (NM_001319034.2); c.3583-1332A>G (NM_001008844.3); short protein forms Q1707R.
Identifiers: ClinVar variation 2775320 (VCV002775320.5), dbSNP rs768870428, ClinGen allele CA043923.

ClinVar aggregate classification (germline): Uncertain significance. Review status: criteria provided, multiple submitters, no conflicts (2 of 4 stars). 4 submissions from 4 submitters: Uncertain significance (4). Last evaluated 2025-07-02.

Conditions:
Cardiomyopathy (CMYO). Also called: Cardiomyopathies. Identifiers: Orphanet 167848, MedGen C0878544, MONDO:0004994, HP:0001638. Inheritance: Various modes of inheritance.
Arrhythmogenic cardiomyopathy with wooly hair and keratoderma. Also called: PALMOPLANTAR KERATODERMA WITH LEFT VENTRICULAR CARDIOMYOPATHY AND WOOLLY HAIR; Carvajal syndrome; Dilated cardiomyopathy with woolly hair and keratoderma; Arrhythmogenic cardiomyopathy with woolly hair and keratoderma. Identifiers: Orphanet 65282, MedGen C1854063, MONDO:0011581, OMIM 605676.
Arrhythmogenic right ventricular dysplasia 8 (ARVD8). Also called: Arrhythmogenic Right Ventricular Dysplasia/Cardiomyopathy 8; ARRHYTHMOGENIC RIGHT VENTRICULAR DYSPLASIA, FAMILIAL, 8; ARRHYTHMOGENIC RIGHT VENTRICULAR CARDIOMYOPATHY 8. Identifiers: MedGen C1843896, MONDO:0011831, OMIM 607450.

Allele frequency attached by ClinVar (database versions not stated): ExAC 0.00001; TOPMed 0.00001.
gnomAD v4.1: 38 of 1,614,218 alleles (0.0024%); highest among the groups gnomAD compares: Non-Finnish European, 0.0031%; no homozygotes.

Submissions (4):

Labcorp Genetics (formerly Invitae), Labcorp
Classification: Uncertain significance for Arrhythmogenic cardiomyopathy with wooly hair and keratoderma; Arrhythmogenic right ventricular dysplasia 8. Last evaluated: 2025-07-02. Review status: criteria provided, single submitter. Criteria: Invitae Variant Classification Sherloc (09022015). Collection method: clinical testing. Allele origin: germline.
Comment: This sequence change replaces glutamine, which is neutral and polar, with arginine, which is basic and polar, at codon 1707 of the DSP protein (p.Gln1707Arg). This variant is present in population databases (rs768870428, gnomAD 0.0009%). This variant has not been reported in the literature in individuals affected with DSP-related conditions. ClinVar contains an entry for this variant (Variation ID: 2775320). An algorithm developed to predict the effect of missense changes on protein structure and function (PolyPhen-2) suggests that this variant is likely to be disruptive. In summary, the available evidence is currently insufficient to determine the role of this variant in disease. Therefore, it has been classified as a Variant of Uncertain Significance.

All of Us Research Program, National Institutes of Health
Classification: Uncertain significance for Arrhythmogenic cardiomyopathy with wooly hair and keratoderma. Last evaluated: 2023-08-23. Review status: criteria provided, single submitter. Criteria: ACMG Guidelines, 2015. Collection method: clinical testing. Allele origin: germline. Inheritance: Autosomal dominant inheritance. Observed: 2 variant alleles, 2 heterozygotes.
Comment: This missense variant replaces glutamine with arginine at codon 1707 of the DSP protein. Computational prediction suggests that this variant may not impact protein structure and function (internally defined REVEL score threshold <= 0.5, PMID: 27666373). To our knowledge, functional studies have not been reported for this variant. This variant has been reported in an individual affected with hypertrophic cardiomyopathy (PMID: 23396983). This variant has been identified in 1/250992 chromosomes in the general population by the Genome Aggregation Database (gnomAD). The available evidence is insufficient to determine the role of this variant in disease conclusively. Therefore, this variant is classified as a Variant of Uncertain Significance.

This study involves interpretation of variants in research participants for the purpose of population health screening. Participant phenotype was not available at the time of variant classification. Additional details can be found in publication PMID: 35346344, PMCID: PMC8962531

Color Diagnostics, LLC DBA Color Health
Classification: Uncertain significance for Cardiomyopathy. Last evaluated: 2023-08-02. Review status: criteria provided, single submitter. Criteria: ACMG Guidelines, 2015. Collection method: clinical testing. Allele origin: germline.
Comment: This missense variant replaces glutamine with arginine at codon 1707 of the DSP protein. Computational prediction suggests that this variant may not impact protein structure and function (internally defined REVEL score threshold <= 0.5, PMID: 27666373). To our knowledge, functional studies have not been reported for this variant. This variant has been reported in an individual affected with hypertrophic cardiomyopathy (PMID: 23396983). This variant has been identified in 1/250992 chromosomes in the general population by the Genome Aggregation Database (gnomAD). The available evidence is insufficient to determine the role of this variant in disease conclusively. Therefore, this variant is classified as a Variant of Uncertain Significance.

Blueprint Genetics
Classification: Uncertain significance. Last evaluated: 2023-07-12. Review status: criteria provided, single submitter. Criteria: ACMG Guidelines, 2015. Collection method: clinical testing. Allele origin: germline.

Literature cited by the submitters: PubMed 23396983 (cited by All of Us Research Program, National Institutes of Health and Color Diagnostics, LLC DBA Color Health).